The following is an entry in ClinVar:

NM_182493.3(MYLK3):c.1661G>A (p.Arg554Gln)

Gene: MYLK3 (myosin light chain kinase 3; minus strand). Cytogenetic location: 16q11.2.
Variant type: single nucleotide variant.
Coding change: c.1661G>A on transcript NM_182493.3 (MANE Select); coding-DNA position 1661, G replaced by A.
Protein change: p.Arg554Gln; replaces arginine 554 with glutamine.
Molecular consequence: missense variant.
Genome position (GRCh38, 1-based): chr16:46,729,595, C>T on the plus strand (G>A on the coding strand, the complement: MYLK3 is on the minus strand). VCF-style: chr16-46729595-C-T. GRCh37 (hg19) VCF-style: chr16-46763507-C-T.
Other names: c.638G>A, p.Arg213Gln (NM_001308301.1); short protein forms R213Q, R554Q.
Identifiers: ClinVar variation 2415512 (VCV002415512.6), dbSNP rs1378535505, ClinGen allele CA395790934.

ClinVar aggregate classification (germline): Uncertain significance (1 of 4 stars; one submission).

Allele frequency attached by ClinVar (database versions not stated): gnomAD 0.00001.
gnomAD v4.1: 16 of 1,613,362 alleles (0.00099%); highest among the groups gnomAD compares: African/African-American, 0.004%; no homozygotes.

Submission:

Labcorp Genetics (formerly Invitae), Labcorp
Classification: Uncertain significance. Last evaluated: 2025-12-22. Review status: criteria provided, single submitter. Criteria: Invitae Variant Classification Sherloc (09022015). Collection method: clinical testing. Allele origin: germline.
Comment: This sequence change replaces arginine, which is basic and polar, with glutamine, which is neutral and polar, at codon 554 of the MYLK3 protein (p.Arg554Gln). The frequency data for this variant in the population databases is considered unreliable, as metrics indicate poor data quality at this position in the gnomAD database. This variant has not been reported in the literature in individuals affected with MYLK3-related conditions. ClinVar contains an entry for this variant (Variation ID: 2415512). An algorithm developed to predict the effect of missense changes on protein structure and function (PolyPhen-2) suggests that this variant is likely to be disruptive. In summary, the available evidence is currently insufficient to determine the role of this variant in disease. Therefore, it has been classified as a Variant of Uncertain Significance.